The following is an entry in ClinVar:

ClinVar aggregate classification (germline): Conflicting classifications of pathogenicity. Review status: criteria provided, conflicting classifications (1 of 4 stars). 5 submissions from 5 submitters: Uncertain significance (3); Likely benign (2). Last evaluated 2025-10-06.

Conditions:
Hereditary cancer-predisposing syndrome. Also called: Neoplastic Syndromes, Hereditary; Tumor predisposition; Hereditary Cancer Syndrome; Hereditary neoplastic syndrome. Identifiers: Orphanet 140162, MedGen C0027672, MeSH D009386, MONDO:0015356.
Classic or attenuated familial adenomatous polyposis. Identifiers: MedGen CN372698, MONDO:0021057.
Familial adenomatous polyposis 1 (FAP1). Also called: FAMILIAL ADENOMATOUS POLYPOSIS 1, ATTENUATED; POLYPOSIS, ADENOMATOUS INTESTINAL. Identifiers: MedGen C2713442, MONDO:0021056, OMIM 175100. Disease mechanism: loss of function.

Allele frequency attached by ClinVar (database versions not stated): ExAC 0.00001; gnomAD 0.00001; gnomAD exomes 0.00001; TOPMed 0.00001.
gnomAD v4.1: 6 of 1,613,962 alleles (0.00037%); highest among the groups gnomAD compares: South Asian, 0.0055%; no homozygotes.

Submissions (5):

Color Diagnostics, LLC DBA Color Health
Classification: Likely benign for Hereditary cancer-predisposing syndrome. Last evaluated: 2025-10-06. Review status: criteria provided, single submitter. Criteria: ACMG Guidelines, 2015. Collection method: clinical testing. Allele origin: germline.

Labcorp Genetics (formerly Invitae), Labcorp
Classification: Uncertain significance for Familial adenomatous polyposis 1. Last evaluated: 2025-06-19. Review status: criteria provided, single submitter. Criteria: Invitae Variant Classification Sherloc (09022015). Collection method: clinical testing. Allele origin: germline.
Comment: This sequence change replaces serine, which is neutral and polar, with isoleucine, which is neutral and non-polar, at codon 1126 of the APC protein (p.Ser1126Ile). This variant is present in population databases (rs767339739, gnomAD 0.007%). This variant has not been reported in the literature in individuals affected with APC-related conditions. ClinVar contains an entry for this variant (Variation ID: 482496). Invitae Evidence Modeling of protein sequence and biophysical properties (such as structural, functional, and spatial information, amino acid conservation, physicochemical variation, residue mobility, and thermodynamic stability) indicates that this missense variant is not expected to disrupt APC protein function with a negative predictive value of 95%. In summary, the available evidence is currently insufficient to determine the role of this variant in disease. Therefore, it has been classified as a Variant of Uncertain Significance.

All of Us Research Program, National Institutes of Health
Classification: Uncertain significance for Classic or attenuated familial adenomatous polyposis. Last evaluated: 2024-08-06. Review status: criteria provided, single submitter. Criteria: ACMG Guidelines, 2015. Collection method: clinical testing. Allele origin: germline. Inheritance: Autosomal dominant inheritance. Observed: 1 variant allele, 1 heterozygote.
Comment: This missense variant replaces serine with isoleucine at codon 1126 of the APC protein. Computational prediction suggests that this variant may not impact protein structure and function (internally defined REVEL score threshold <= 0.5, PMID: 27666373). To our knowledge, functional studies have not been reported for this variant. This variant has not been reported in individuals affected with hereditary cancer in the literature. This variant has been identified in 2/250616 chromosomes in the general population by the Genome Aggregation Database (gnomAD). The available evidence is insufficient to determine the role of this variant in disease conclusively. Therefore, this variant is classified as a Variant of Uncertain Significance.

This study involves interpretation of variants in research participants for the purpose of population health screening. Participant phenotype was not available at the time of variant classification. Additional details can be found in publication PMID: 35346344, PMCID: PMC8962531

Baylor Genetics
Classification: Uncertain significance for Familial adenomatous polyposis 1. Last evaluated: 2023-06-26. Review status: criteria provided, single submitter. Criteria: ACMG Guidelines, 2015. Collection method: clinical testing. Allele origin: unknown.

Ambry Genetics
Classification: Likely benign for Hereditary cancer-predisposing syndrome. Last evaluated: 2023-04-12. Review status: criteria provided, single submitter. Criteria: Ambry Variant Classification Scheme 2023. Collection method: clinical testing. Allele origin: germline.

NM_000038.6(APC):c.3377G>T (p.Ser1126Ile)

Gene: APC (APC regulator of Wnt signaling pathway; plus strand). Cytogenetic location: 5q22.2.
Variant type: single nucleotide variant.
Coding change: c.3377G>T on transcript NM_000038.6 (MANE Select); coding-DNA position 3377, G replaced by T.
Protein change: p.Ser1126Ile; replaces serine 1126 with isoleucine.
Molecular consequence: missense variant.
Genome position (GRCh38, 1-based): chr5:112,838,971, G>T. VCF-style: chr5-112838971-G-T. GRCh37 (hg19) VCF-style: chr5-112174668-G-T.
Other names: c.3377G>T, p.Ser1126Ile (NM_001127510.3, NM_001354895.2); c.3323G>T, p.Ser1108Ile (NM_001127511.3); c.3431G>T, p.Ser1144Ile (NM_001354896.2); c.3407G>T, p.Ser1136Ile (NM_001354897.2); c.3302G>T, p.Ser1101Ile (NM_001354898.2); c.3293G>T, p.Ser1098Ile (NM_001354899.2); c.3254G>T, p.Ser1085Ile (NM_001354900.2); c.3200G>T, p.Ser1067Ile (NM_001354901.2); and 5 more; short protein forms S1126I, S1108I, S1000I, S1144I, S843I, S1035I, S1067I, S1085I.
Identifiers: ClinVar variation 482496 (VCV000482496.24), dbSNP rs767339739, ClinGen allele CA035157.